The following is an entry in ClinVar:

ClinVar aggregate classification (germline): Conflicting classifications of pathogenicity. Review status: criteria provided, conflicting classifications (1 of 4 stars). 3 submissions from 3 submitters: Uncertain significance (2); Likely benign (1). Last evaluated 2025-09-23.

Conditions:
Hereditary cancer-predisposing syndrome. Also called: Neoplastic Syndromes, Hereditary; Tumor predisposition; Hereditary Cancer Syndrome; Hereditary neoplastic syndrome. Identifiers: Orphanet 140162, MedGen C0027672, MeSH D009386, MONDO:0015356.
Hereditary breast ovarian cancer syndrome. Also called: BRCA1- and BRCA2-Associated Hereditary Breast and Ovarian Cancer; Hereditary breast and ovarian cancer syndrome; Hereditary breast and ovarian cancer; Hereditary breast and ovarian cancer syndrome (HBOC); Breast and ovarian cancer; Hereditary breast and/or ovarian cancer syndrome. Identifiers: Orphanet 145, MedGen C0677776, MeSH D061325, MONDO:0003582. Disease mechanism: loss of function.

Submissions (3):

Ambry Genetics
Classification: Likely benign for Hereditary cancer-predisposing syndrome. Last evaluated: 2025-09-23. Review status: criteria provided, single submitter. Criteria: Ambry Variant Classification Scheme 2023. Collection method: clinical testing. Allele origin: germline.

Labcorp Genetics (formerly Invitae), Labcorp
Classification: Uncertain significance for Hereditary breast ovarian cancer syndrome. Last evaluated: 2025-07-22. Review status: criteria provided, single submitter. Criteria: Invitae Variant Classification Sherloc (09022015). Collection method: clinical testing. Allele origin: germline.
Comment: This sequence change replaces arginine, which is basic and polar, with leucine, which is neutral and non-polar, at codon 2502 of the BRCA2 protein (p.Arg2502Leu). This variant is not present in population databases (gnomAD no frequency). This variant has not been reported in the literature in individuals affected with BRCA2-related conditions. ClinVar contains an entry for this variant (Variation ID: 232076). Invitae Evidence Modeling of protein sequence and biophysical properties (such as structural, functional, and spatial information, amino acid conservation, physicochemical variation, residue mobility, and thermodynamic stability) indicates that this missense variant is not expected to disrupt BRCA2 protein function with a negative predictive value of 95%. In summary, the available evidence is currently insufficient to determine the role of this variant in disease. Therefore, it has been classified as a Variant of Uncertain Significance.

Color Diagnostics, LLC DBA Color Health
Classification: Uncertain significance for Hereditary cancer-predisposing syndrome. Last evaluated: 2023-01-23. Review status: criteria provided, single submitter. Criteria: ACMG Guidelines, 2015. Collection method: clinical testing. Allele origin: germline.
Comment: This missense variant replaces arginine with leucine at codon 2502 of the BRCA2 protein. Computational prediction suggests that this variant may not impact protein structure and function (internally defined REVEL score threshold <= 0.5, PMID: 27666373). To our knowledge, functional studies have not been reported for this variant. This variant has not been reported in individuals affected with BRCA2-related disorders in the literature. This variant has not been identified in the general population by the Genome Aggregation Database (gnomAD). The available evidence is insufficient to determine the role of this variant in disease conclusively. Therefore, this variant is classified as a Variant of Uncertain Significance.

NM_000059.4(BRCA2):c.7505G>T (p.Arg2502Leu)

Gene: BRCA2 (BRCA2 DNA repair associated; plus strand). Cytogenetic location: 13q13.1.
Variant type: single nucleotide variant.
Coding change: c.7505G>T on transcript NM_000059.4 (MANE Select); coding-DNA position 7505, G replaced by T.
Protein change: p.Arg2502Leu; replaces arginine 2502 with leucine.
Molecular consequence: missense variant.
Genome position (GRCh38, 1-based): chr13:32,356,497, G>T. VCF-style: chr13-32356497-G-T. GRCh37 (hg19) VCF-style: chr13-32930634-G-T.
Other names: short protein forms R2502L.
Identifiers: ClinVar variation 232076 (VCV000232076.12), dbSNP rs56070345, ClinGen allele CA10579740.